The following is an entry in ClinVar:

NM_000051.4(ATM):c.8268+8T>G

Genes: ATM (ATM serine/threonine kinase; plus strand), C11orf65 (chromosome 11 open reading frame 65; minus strand). Cytogenetic location: 11q22.3.
Variant type: single nucleotide variant.
Coding change: c.8268+8T>G on transcript NM_000051.4 (MANE Select); 8 bases into the intron after coding-DNA position 8268, T replaced by G.
Molecular consequence: intron variant.
Genome position (GRCh38, 1-based): chr11:108,335,969, T>G. VCF-style: chr11-108335969-T-G. GRCh37 (hg19) VCF-style: chr11-108206696-T-G.
Other names: c.8268+8T>G (NM_001351834.2); c.641-26898A>C (NM_001330368.2); c.695-677A>C (NM_001351110.2).
Identifiers: ClinVar variation 1961374 (VCV001961374.6), dbSNP rs1263247290, ClinGen allele CA671421211.
Genomic context (GRCh38, chr11:108,335,969, plus strand): 5'-TGCAGAGAAACACGGAAACTAGGAAGAGGAAATTAACTATCTGTACTTATAAGGTAACTA[T>G]TTGTACTTCTGTTAGTTCACCAAAAACATATAAAAGATGCCATTTGGTTGGGTGAAGTGG-3'

ClinVar aggregate classification (germline): Likely benign. Review status: criteria provided, multiple submitters, no conflicts (2 of 4 stars). 2 submissions from 2 submitters: Likely benign (2). Last evaluated 2024-06-19.

Conditions:
Ataxia-telangiectasia syndrome (AT). Also called: Ataxia-telangiectasia, complementation group D; AT, COMPLEMENTATION GROUP C; ATAXIA-TELANGIECTASIA, COMPLEMENTATION GROUP A; ATAXIA-TELANGIECTASIA, FRESNO VARIANT; Ataxia-telangiectasia, complementation group E; LOUIS-BAR SYNDROME. Identifiers: Orphanet 100, MedGen C0004135, MONDO:0008840, OMIM 208900.
Familial cancer of breast. Also called: BREAST CANCER, FAMILIAL; Hereditary breast cancer; hereditary breast carcinoma. Identifiers: Orphanet 227535, MedGen C0346153, MONDO:0016419, OMIM 114480. Disease mechanism: loss of function.

gnomAD v4.1: 1 of 1,591,126 alleles (0.000063%); highest among the groups gnomAD compares: African/African-American, 0.0013%; no homozygotes.

Submissions (2):

Myriad Genetics, Inc.
Classification: Likely benign for Familial cancer of breast. Last evaluated: 2024-06-19. Review status: criteria provided, single submitter. Criteria: Myriad Autosomal Dominant, Autosomal Recessive and X-Linked Classification Criteria (2023). Collection method: clinical testing. Allele origin: unknown.
Comment: This variant is considered likely benign. This variant is intronic and is not expected to impact mRNA splicing.

Labcorp Genetics (formerly Invitae), Labcorp
Classification: Likely benign for Ataxia-telangiectasia syndrome. Last evaluated: 2022-06-09. Review status: criteria provided, single submitter. Criteria: Invitae Variant Classification Sherloc (09022015). Collection method: clinical testing. Allele origin: germline.